The following is an entry in ClinVar:

NM_005422.4(TECTA):c.6458C>T (p.Thr2153Met)

Genes: TBCEL-TECTA (TBCEL-TECTA readthrough; plus strand), TECTA (tectorin alpha; plus strand). Cytogenetic location: 11q23.3.
Variant type: single nucleotide variant.
Coding change: c.6458C>T on transcript NM_005422.4 (MANE Select); coding-DNA position 6458, C replaced by T.
Protein change: p.Thr2153Met; replaces threonine 2153 with methionine.
Molecular consequence: missense variant.
Genome position (GRCh38, 1-based): chr11:121,190,796, C>T. VCF-style: chr11-121190796-C-T. GRCh37 (hg19) VCF-style: chr11-121061505-C-T.
Other names: c.7400C>T, p.Thr2467Met (NM_001378761.1); short protein forms T2153M, T2467M.
Identifiers: ClinVar variation 303047 (VCV000303047.19), dbSNP rs146965680, ClinGen allele CA6327994.

ClinVar aggregate classification (germline): Conflicting classifications of pathogenicity. Review status: criteria provided, conflicting classifications (1 of 4 stars). 5 submissions from 4 submitters: Uncertain significance (1); Benign (4). Last evaluated 2025-12-22.

Conditions:
Autosomal recessive nonsyndromic hearing loss 21. Identifiers: Orphanet 90636, MedGen C1863655, MONDO:0011351, OMIM 603629.
Autosomal dominant nonsyndromic hearing loss 12. Also called: DEAFNESS, AUTOSOMAL DOMINANT 8. Identifiers: Orphanet 90635, MedGen C1832187, MONDO:0011102, OMIM 601543.

Allele frequency attached by ClinVar (database versions not stated): gnomAD 0.00007 and 0.00074; ESP Exome Variant Server 0.00008; TOPMed 0.00023; gnomAD exomes 0.00135 and 0.00261; 1000 Genomes Project 0.00300; ExAC 0.00315; 1000 Genomes Project 30x 0.00328.
gnomAD v4.1: 2,086 of 1,611,030 alleles (0.13%); highest among the groups gnomAD compares: South Asian, 2%; 23 homozygotes.

Submissions (5):

Labcorp Genetics (formerly Invitae), Labcorp
Classification: Benign. Last evaluated: 2025-12-22. Review status: criteria provided, single submitter. Criteria: Invitae Variant Classification Sherloc (09022015). Collection method: clinical testing. Allele origin: germline.

GeneDx
Classification: Benign. Last evaluated: 2019-09-30. Review status: criteria provided, single submitter. Criteria: GeneDx Variant Classification Process June 2021. Collection method: clinical testing. Allele origin: germline. Affected: yes.

Illumina Laboratory Services, Illumina
Classification: Uncertain significance for Autosomal recessive nonsyndromic hearing loss 21. Last evaluated: 2018-01-13. Review status: criteria provided, single submitter. Criteria: ICSL Variant Classification Criteria 13 December 2019. Collection method: clinical testing. Allele origin: germline.

Illumina Laboratory Services, Illumina
Classification: Benign for Autosomal dominant nonsyndromic hearing loss 12. Last evaluated: 2018-01-13. Review status: criteria provided, single submitter. Criteria: ICSL Variant Classification Criteria 13 December 2019. Collection method: clinical testing. Allele origin: germline.
Comment: This variant was observed in the ICSL laboratory as part of a predisposition screen in an ostensibly healthy population. It had not been previously curated by ICSL or reported in the Human Gene Mutation Database (HGMD: prior to June 1st, 2018), and was therefore a candidate for classification through an automated scoring system. Utilizing variant allele frequency, disease prevalence and penetrance estimates, and inheritance mode, an automated score was calculated to assess if this variant is too frequent to cause the disease. Based on the score and internal cut-off values, a variant classified as benign is not then subjected to further curation. The score for this variant resulted in a classification of benign for this disease.

Laboratory for Molecular Medicine, Mass General Brigham Personalized Medicine
Classification: Benign. Last evaluated: 2016-05-21. Review status: criteria provided, single submitter. Criteria: LMM Criteria. Collection method: clinical testing. Allele origin: germline. Observed: 2 variant alleles.
Comment: p.Thr2153Met in exon 23 of TECTA: This variant is not expected to have clinical significance because it has been identified in 2.2% (340/15596) of South Asian c hromosomes, including 5 homozygotes, by the Exome Aggregation Consortium (ExAC; dbSNP rs146965680).